The following is an entry in ClinVar:

NM_033380.3(COL4A5):c.4994+5A>G

Gene: COL4A5 (collagen type IV alpha 5 chain; plus strand). Cytogenetic location: Xq22.3.
Variant type: single nucleotide variant.
Coding change: c.4994+5A>G on transcript NM_033380.3 (MANE Select); 5 bases into the intron after coding-DNA position 4994, A replaced by G.
Molecular consequence: intron variant.
Genome position (GRCh38, 1-based): chrX:108,695,444, A>G. VCF-style: chrX-108695444-A-G. GRCh37 (hg19) VCF-style: chrX-107938674-A-G.
Other names: c.4976+5A>G (NM_000495.5).
Identifiers: ClinVar variation 2914007 (VCV002914007.5), dbSNP rs2524654530, ClinGen allele CA2549288493.

ClinVar aggregate classification (germline): Conflicting classifications of pathogenicity. Review status: criteria provided, conflicting classifications (1 of 4 stars). 3 submissions from 3 submitters: Uncertain significance (2); Likely benign (1). Last evaluated 2024-05-06.

Conditions:
X-linked Alport syndrome (ATS1). Also called: COL4A5-Related Nephropathy; NEPHROPATHY AND DEAFNESS, X-LINKED. Identifiers: Orphanet 63, Orphanet 88917, MedGen C4746986, MONDO:0010520, OMIM 301050.

Allele frequency attached by ClinVar (database versions not stated): gnomAD exomes below 0.00001.
gnomAD v4.1: 2 of 1,209,850 alleles (0.00017%); highest among the groups gnomAD compares: African/African-American, 0.0017%; no homozygotes.

Submissions (3):

Fulgent Genetics
Classification: Uncertain significance for X-linked Alport syndrome. Last evaluated: 2024-05-06. Review status: criteria provided, single submitter. Criteria: ACMG Guidelines, 2015. Collection method: clinical testing. Allele origin: germline.

Labcorp Genetics (formerly Invitae), Labcorp
Classification: Uncertain significance. Last evaluated: 2024-01-04. Review status: criteria provided, single submitter. Criteria: Invitae Variant Classification Sherloc (09022015). Collection method: clinical testing. Allele origin: germline.
Comment: This sequence change falls in intron 50 of the COL4A5 gene. It does not directly change the encoded amino acid sequence of the COL4A5 protein. It affects a nucleotide within the consensus splice site. This variant is not present in population databases (gnomAD no frequency). This variant has not been reported in the literature in individuals affected with COL4A5-related conditions. Variants that disrupt the consensus splice site are a relatively common cause of aberrant splicing (PMID: 17576681, 9536098). Algorithms developed to predict the effect of sequence changes on RNA splicing suggest that this variant is not likely to affect RNA splicing. In summary, the available evidence is currently insufficient to determine the role of this variant in disease. Therefore, it has been classified as a Variant of Uncertain Significance.

Blueprint Genetics
Classification: Likely benign. Last evaluated: 2023-01-27. Review status: criteria provided, single submitter. Criteria: ACMG Guidelines, 2015. Collection method: clinical testing. Allele origin: germline.

Literature cited by the submitters: PubMed 17576681 (cited by Labcorp Genetics (formerly Invitae), Labcorp); PubMed 9536098 (cited by Labcorp Genetics (formerly Invitae), Labcorp).